The following is an entry in ClinVar:

ClinVar aggregate classification (germline): Uncertain significance (1 of 4 stars; one submission).

gnomAD v4.1: 1 of 1,599,394 alleles (0.000063%); no homozygotes.

Submission:

Ambry Genetics
Classification: Uncertain significance. Last evaluated: 2026-07-25. Review status: criteria provided, single submitter. Criteria: Ambry Variant Classification Scheme 2023. Collection method: clinical testing. Allele origin: germline.
Comment: The p.A1510D variant (also known as c.4529C>A), located in coding exon 19 of the WNK2 gene, results from a C to A substitution at nucleotide position 4529. The alanine at codon 1510 is replaced by aspartic acid, an amino acid with dissimilar properties. This amino acid position is conserved. In addition, this alteration is predicted to be tolerated by in silico analysis. Based on the available evidence, the clinical significance of this variant remains unclear.

NM_006648.4(WNK2):c.4529C>A (p.Ala1510Asp)

Gene: WNK2 (WNK lysine deficient protein kinase 2; plus strand). Cytogenetic location: 9q22.31.
Variant type: single nucleotide variant.
Coding change: c.4529C>A on transcript NM_006648.4 (MANE Select); coding-DNA position 4529, C replaced by A.
Protein change: p.Ala1510Asp; replaces alanine 1510 with aspartic acid.
Molecular consequence: missense variant.
Genome position (GRCh38, 1-based): chr9:93,289,283, C>A. VCF-style: chr9-93289283-C-A. GRCh37 (hg19) VCF-style: chr9-96051565-C-A.
Other names: c.4640C>A, p.Ala1547Asp (NM_001282394.3); short protein forms A1510D, A1547D.
Identifiers: ClinVar variation 5031880 (VCV005031880.1).